The following is an entry in ClinVar:

NM_138694.4(PKHD1):c.10156+22369C>A

Gene: PKHD1 (PKHD1 ciliary IPT domain containing fibrocystin/polyductin; minus strand). Cytogenetic location: 6p12.3.
Variant type: single nucleotide variant.
Coding change: c.10156+22369C>A on transcript NM_138694.4 (MANE Select); 22369 bases into the intron after coding-DNA position 10156, C replaced by A.
Molecular consequence: intron variant. On other transcripts: synonymous variant (1).
Genome position (GRCh38, 1-based): chr6:51,722,016, G>T on the plus strand (C>A on the coding strand, the complement: PKHD1 is on the minus strand). VCF-style: chr6-51722016-G-T. GRCh37 (hg19) VCF-style: chr6-51586814-G-T.
Other names: c.10161C>A, p.Thr3387= (NM_170724.3).
Identifiers: ClinVar variation 4980835 (VCV004980835.1).

ClinVar aggregate classification (germline): Likely benign (1 of 4 stars; one submission).

Conditions:
PKHD1-related disorder. Also called: PKHD1-related condition.

gnomAD v4.1: 105 of 1,613,272 alleles (0.0065%); highest among the groups gnomAD compares: South Asian, 0.11%; 1 homozygote.

Submission:

PreventionGenetics, part of Exact Sciences
Classification: Likely benign for PKHD1-related condition. Last evaluated: 2025-06-02. Review status: criteria provided, single submitter. Criteria: ACMG Guidelines, 2015. Collection method: clinical testing. Allele origin: germline.
Comment: This variant is classified as likely benign based on ACMG/AMP sequence variant interpretation guidelines (Richards et al. 2015 PMID: 25741868, with internal and published modifications).